The following is an entry in ClinVar:

ClinVar aggregate classification (germline): Uncertain significance. Review status: criteria provided, multiple submitters, no conflicts (2 of 4 stars). 2 submissions from 2 submitters: Uncertain significance (2). Last evaluated 2026-09-03.

Conditions:
Symmetrical dyschromatosis of extremities (DSH). Also called: RETICULATE ACROPIGMENTATION OF DOHI; SYMMETRIC DYSCHROMATOSIS OF THE EXTREMITIES; Dyschromatosis symmetrica hereditaria; DYSCHROMATOSIS SYMMETRICA HEREDITARIA 1. Identifiers: Orphanet 41, MedGen C0406775, MONDO:0007483, OMIM 127400.
Aicardi-Goutieres syndrome 6 (AGS6). Identifiers: Orphanet 51, MedGen C3539013, MONDO:0014007, OMIM 615010.
Inborn genetic diseases. Identifiers: MedGen C0950123, MeSH D030342.

Submissions (2):

Ambry Genetics
Classification: Uncertain significance for Inborn genetic diseases. Last evaluated: 2026-09-03. Review status: criteria provided, single submitter. Criteria: Ambry Variant Classification Scheme 2023. Collection method: clinical testing. Allele origin: germline.

Labcorp Genetics (formerly Invitae), Labcorp
Classification: Uncertain significance for Aicardi-Goutieres syndrome 6; Symmetrical dyschromatosis of extremities. Last evaluated: 2024-08-10. Review status: criteria provided, single submitter. Criteria: Invitae Variant Classification Sherloc (09022015). Collection method: clinical testing. Allele origin: germline.
Comment: This sequence change replaces glutamic acid, which is acidic and polar, with glycine, which is neutral and non-polar, at codon 594 of the ADAR protein (p.Glu594Gly). This variant is not present in population databases (gnomAD no frequency). This variant has not been reported in the literature in individuals affected with ADAR-related conditions. ClinVar contains an entry for this variant (Variation ID: 2495059). Advanced modeling of protein sequence and biophysical properties (such as structural, functional, and spatial information, amino acid conservation, physicochemical variation, residue mobility, and thermodynamic stability) performed at Invitae indicates that this missense variant is not expected to disrupt ADAR protein function with a negative predictive value of 80%. In summary, the available evidence is currently insufficient to determine the role of this variant in disease. Therefore, it has been classified as a Variant of Uncertain Significance.

NM_001111.5(ADAR):c.1781A>G (p.Glu594Gly)

Gene: ADAR (adenosine deaminase RNA specific; minus strand). Cytogenetic location: 1q21.3.
Variant type: single nucleotide variant.
Coding change: c.1781A>G on transcript NM_001111.5 (MANE Select); coding-DNA position 1781, A replaced by G.
Protein change: p.Glu594Gly; replaces glutamic acid 594 with glycine.
Molecular consequence: missense variant.
Genome position (GRCh38, 1-based): chr1:154,598,406, T>C on the plus strand (A>G on the coding strand, the complement: ADAR is on the minus strand). VCF-style: chr1-154598406-T-C. GRCh37 (hg19) VCF-style: chr1-154570882-T-C.
Other names: c.896A>G, p.Glu299Gly (NM_001025107.3, NM_001193495.2, NM_001365046.1 and 3 more transcripts); c.1808A>G, p.Glu603Gly (NM_001365045.1); c.1781A>G, p.Glu594Gly (NM_015840.4, NM_015841.4); short protein forms E299G, E594G, E603G.
Identifiers: ClinVar variation 2495059 (VCV002495059.5), dbSNP rs2526611837, ClinGen allele CA342639141.